The following is an entry in ClinVar:

ClinVar aggregate classification (germline): Likely benign (1 of 4 stars; one submission).

gnomAD v4.1: 52 of 1,475,202 alleles (0.0035%); highest among the groups gnomAD compares: Non-Finnish European, 0.0042%; no homozygotes.

Submission:

CeGaT Center for Human Genetics Tuebingen
Classification: Likely benign. Last evaluated: 2025-10-01. Review status: criteria provided, single submitter. Criteria: CeGaT Center For Human Genetics Tuebingen Variant Classification Criteria Version 2. Collection method: clinical testing. Allele origin: germline. Affected: yes. Observed: 1 variant allele.
Comment: FMN2: BP4, BP7

NM_020066.5(FMN2):c.1458G>A (p.Thr486=)

Gene: FMN2 (formin 2; plus strand). Cytogenetic location: 1q43.
Variant type: single nucleotide variant.
Coding change: c.1458G>A on transcript NM_020066.5 (MANE Select); coding-DNA position 1458, G replaced by A.
Protein change: p.Thr486=; no amino-acid change (threonine 486 retained).
Molecular consequence: synonymous variant.
Genome position (GRCh38, 1-based): chr1:240,093,567, G>A. VCF-style: chr1-240093567-G-A. GRCh37 (hg19) VCF-style: chr1-240256867-G-A.
Other names: c.1458G>A, p.Thr486= (NM_001305424.2, NM_001348094.2).
Identifiers: ClinVar variation 4534064 (VCV004534064.6).